The following is an entry in ClinVar:

ClinVar aggregate classification (germline): Benign/Likely benign. Review status: criteria provided, multiple submitters, no conflicts (2 of 4 stars). 3 submissions from 3 submitters: Benign (1); Likely benign (2). Last evaluated 2026-06-16.

Conditions:
Polyps, multiple and recurrent inflammatory fibroid, gastrointestinal. Identifiers: MedGen C5193005, MONDO:0008285, OMIM 175510.
Hereditary cancer-predisposing syndrome. Also called: Hereditary neoplastic syndrome; Neoplastic Syndromes, Hereditary; Hereditary Cancer Syndrome; Tumor predisposition. Identifiers: Orphanet 140162, MedGen C0027672, MeSH D009386, MONDO:0015356.
Gastrointestinal stromal tumor. Also called: Gastrointestinal stromal tumor, somatic; Gastrointestinal stroma tumor. Identifiers: Orphanet 44890, MedGen C0238198, MeSH D046152, MONDO:0011719, OMIM 606764, HP:0100723.

Allele frequency attached by ClinVar (database versions not stated): 1000 Genomes Project 30x 0.00016; 1000 Genomes Project 0.00020; TOPMed below 0.00001; ExAC 0.00001; gnomAD 0.00001.
gnomAD v4.1: 4 of 1,614,096 alleles (0.00025%); highest among the groups gnomAD compares: South Asian, 0.0011%; no homozygotes.

Submissions (3):

Myriad Genetics, Inc.
Classification: Benign for Polyps, multiple and recurrent inflammatory fibroid, gastrointestinal. Last evaluated: 2026-06-16. Review status: criteria provided, single submitter. Criteria: Myriad Autosomal Dominant, Autosomal Recessive and X-Linked Classification Criteria (2023). Collection method: clinical testing. Allele origin: unknown.
Comment: This variant is considered benign. This variant is a silent/synonymous amino acid change and it is not expected to impact splicing.

Labcorp Genetics (formerly Invitae), Labcorp
Classification: Likely benign for Gastrointestinal stromal tumor. Last evaluated: 2026-01-19. Review status: criteria provided, single submitter. Criteria: Invitae Variant Classification Sherloc (09022015). Collection method: clinical testing. Allele origin: germline.

Ambry Genetics
Classification: Likely benign for Hereditary cancer-predisposing syndrome. Last evaluated: 2022-06-10. Review status: criteria provided, single submitter. Criteria: Ambry Variant Classification Scheme 2023. Collection method: clinical testing. Allele origin: germline.

NM_006206.6(PDGFRA):c.489C>T (p.Asn163=)

Gene: PDGFRA (platelet derived growth factor receptor alpha; plus strand). Cytogenetic location: 4q12.
Variant type: single nucleotide variant.
Coding change: c.489C>T on transcript NM_006206.6 (MANE Select); coding-DNA position 489, C replaced by T.
Protein change: p.Asn163=; no amino-acid change (asparagine 163 retained).
Molecular consequence: synonymous variant.
Genome position (GRCh38, 1-based): chr4:54,263,788, C>T. VCF-style: chr4-54263788-C-T. GRCh37 (hg19) VCF-style: chr4-55129955-C-T.
Other names: c.489C>T, p.Asn163= (NM_001347827.2, NM_001347829.2); c.564C>T, p.Asn188= (NM_001347828.2); c.528C>T, p.Asn176= (NM_001347830.2).
Identifiers: ClinVar variation 528707 (VCV000528707.15), dbSNP rs576890188, ClinGen allele CA2922300.